The following is an entry in ClinVar:

ClinVar aggregate classification (germline): Uncertain significance (1 of 4 stars; one submission).

Submission:

Labcorp Genetics (formerly Invitae), Labcorp
Classification: Uncertain significance. Last evaluated: 2023-08-04. Review status: criteria provided, single submitter. Criteria: Invitae Variant Classification Sherloc (09022015). Collection method: clinical testing. Allele origin: germline.
Comment: This sequence change replaces threonine, which is neutral and polar, with isoleucine, which is neutral and non-polar, at codon 211 of the ADAMTS10 protein (p.Thr211Ile). In summary, the available evidence is currently insufficient to determine the role of this variant in disease. Therefore, it has been classified as a Variant of Uncertain Significance. An algorithm developed to predict the effect of missense changes on protein structure and function (PolyPhen-2) suggests that this variant is likely to be tolerated. This variant has not been reported in the literature in individuals affected with ADAMTS10-related conditions. This variant is not present in population databases (gnomAD no frequency).

NM_030957.4(ADAMTS10):c.632C>T (p.Thr211Ile)

Gene: ADAMTS10 (ADAM metallopeptidase with thrombospondin type 1 motif 10; minus strand). Cytogenetic location: 19p13.2.
Variant type: single nucleotide variant.
Coding change: c.632C>T on transcript NM_030957.4 (MANE Select); coding-DNA position 632, C replaced by T.
Protein change: p.Thr211Ile; replaces threonine 211 with isoleucine.
Molecular consequence: missense variant.
Genome position (GRCh38, 1-based): chr19:8,601,106, G>A on the plus strand (C>T on the coding strand, the complement: ADAMTS10 is on the minus strand). VCF-style: chr19-8601106-G-A. GRCh37 (hg19) VCF-style: chr19-8665990-G-A.
Other names: short protein forms T211I.
Identifiers: ClinVar variation 2813386 (VCV002813386.3), dbSNP rs2146093756, ClinGen allele CA403756801.